The following is an entry in ClinVar:

NM_000390.4(CHM):c.949G>T (p.Glu317Ter)

Gene: CHM (CHM Rab escort protein; minus strand). Cytogenetic location: Xq21.2.
Variant type: single nucleotide variant.
Coding change: c.949G>T on transcript NM_000390.4 (MANE Select); coding-DNA position 949, G replaced by T.
Protein change: p.Glu317Ter; replaces glutamic acid 317 with a stop codon.
Molecular consequence: nonsense.
Genome position (GRCh38, 1-based): chrX:85,956,370, C>A on the plus strand (G>T on the coding strand, the complement: CHM is on the minus strand). VCF-style: chrX-85956370-C-A. GRCh37 (hg19) VCF-style: chrX-85211375-C-A.
Other names: c.505G>T, p.Glu169Ter (NM_001320959.1, NM_001362517.1, NM_001362518.2 and 1 more transcripts); short protein forms E169*, E317*.
Identifiers: ClinVar variation 2697155 (VCV002697155.3), dbSNP rs1433745760, ClinGen allele CA413785558.

ClinVar aggregate classification (germline): Pathogenic (1 of 4 stars; one submission).

Submission:

Labcorp Genetics (formerly Invitae), Labcorp
Classification: Pathogenic. Last evaluated: 2025-09-02. Review status: criteria provided, single submitter. Criteria: Invitae Variant Classification Sherloc (09022015). Collection method: clinical testing. Allele origin: germline.
Comment: This sequence change creates a premature translational stop signal (p.Glu317*) in the CHM gene. It is expected to result in an absent or disrupted protein product. Loss-of-function variants in CHM are known to be pathogenic (PMID: 9067750, 23811034). This variant is not present in population databases (gnomAD no frequency). This variant has not been reported in the literature in individuals affected with CHM-related conditions. ClinVar contains an entry for this variant (Variation ID: 2697155). Algorithms developed to predict the effect of sequence changes on RNA splicing suggest that this variant may disrupt the consensus splice site. For these reasons, this variant has been classified as Pathogenic.

Literature cited by the submitters: PubMed 9067750; PubMed 23811034.